The following is an entry in ClinVar:

NM_004656.4(BAP1):c.2167C>A (p.Pro723Thr)

Gene: BAP1 (BRCA1 associated deubiquitinase 1; minus strand). Cytogenetic location: 3p21.1.
Variant type: single nucleotide variant.
Coding change: c.2167C>A on transcript NM_004656.4 (MANE Select); coding-DNA position 2167, C replaced by A.
Protein change: p.Pro723Thr; replaces proline 723 with threonine.
Molecular consequence: missense variant.
Genome position (GRCh38, 1-based): chr3:52,402,311, G>T on the plus strand (C>A on the coding strand, the complement: BAP1 is on the minus strand). VCF-style: chr3-52402311-G-T. GRCh37 (hg19) VCF-style: chr3-52436327-G-T.
Other names: c.2113C>A, p.Pro705Thr (NM_001410772.1); short protein forms P705T, P723T.
Identifiers: ClinVar variation 3224458 (VCV003224458.1), dbSNP rs1553644518, ClinGen allele CA353093989.
Genomic context (GRCh38, chr3:52,402,311, plus strand): 5'-CGGCAAGAGTGGGCTGCAGAGTCAGGGCCAGCAGTCCTCACTGGCGCTTGGCCTTGTAGG[G>T]GCGAGAGCGTTTCCGCCGGTCAGGCTTCCGCTGCTTGTGGAGCCGGCCGATGCTGACCCC-3'
Protein context (NP_004647.1, residues 713-729): RKPDRRKRSR[Pro723Thr]YKAKRQ

ClinVar aggregate classification (germline): Uncertain significance (1 of 4 stars; one submission).

Conditions:
Hereditary cancer-predisposing syndrome. Also called: Tumor predisposition; Hereditary neoplastic syndrome; Hereditary Cancer Syndrome; Neoplastic Syndromes, Hereditary. Identifiers: Orphanet 140162, MedGen C0027672, MeSH D009386, MONDO:0015356.

Submission:

Ambry Genetics
Classification: Uncertain significance for Hereditary cancer-predisposing syndrome. Last evaluated: 2024-03-10. Review status: criteria provided, single submitter. Criteria: Ambry Variant Classification Scheme 2023. Collection method: clinical testing. Allele origin: germline.
Comment: The p.P723T variant (also known as c.2167C>A), located in coding exon 17 of the BAP1 gene, results from a C to A substitution at nucleotide position 2167. The proline at codon 723 is replaced by threonine, an amino acid with highly similar properties. This amino acid position is conserved. In addition, the in silico prediction for this alteration is inconclusive. Based on the available evidence, the clinical significance of this alteration remains unclear.